The following is an entry in ClinVar:

ClinVar aggregate classification (germline): Conflicting classifications of pathogenicity. Review status: criteria provided, conflicting classifications (1 of 4 stars). 5 submissions from 5 submitters: Uncertain significance (2); Likely benign (3). Last evaluated 2026-06-25.

Conditions:
TTN-related disorder. Also called: TTN-related condition; TTN-related disease; TTN-related disorders.
Dilated cardiomyopathy 1G (CMD1G). Identifiers: Orphanet 154, MedGen C1858763, MONDO:0011400, OMIM 604145.
Autosomal recessive limb-girdle muscular dystrophy type 2J (LGMDR10). Also called: Limb-girdle muscular dystrophy, type 2J; MUSCULAR DYSTROPHY, LIMB-GIRDLE, AUTOSOMAL RECESSIVE 10. Identifiers: Orphanet 140922, MedGen C1837342, MONDO:0012127, OMIM 608807.

Allele frequency attached by ClinVar (database versions not stated): gnomAD 0.00003 and 0.00004; gnomAD exomes 0.00005 and 0.00022; ExAC 0.00012; TOPMed 0.00015; 1000 Genomes Project 0.00020; 1000 Genomes Project 30x 0.00031.
gnomAD v4.1: 77 of 1,613,300 alleles (0.0048%); highest among the groups gnomAD compares: Admixed American, 0.12%; no homozygotes.

Submissions (5):

PreventionGenetics, part of Exact Sciences
Classification: Likely benign for TTN-related condition. Last evaluated: 2026-06-25. Review status: criteria provided, single submitter. Criteria: ACMG Guidelines, 2015. Collection method: clinical testing. Allele origin: germline.
Comment: This variant is classified as likely benign based on ACMG/AMP sequence variant interpretation guidelines (Richards et al. 2015 PMID: 25741868, with internal and published modifications).

Labcorp Genetics (formerly Invitae), Labcorp
Classification: Likely benign for Dilated cardiomyopathy 1G; Autosomal recessive limb-girdle muscular dystrophy type 2J. Last evaluated: 2026-01-10. Review status: criteria provided, single submitter. Criteria: Invitae Variant Classification Sherloc (09022015). Collection method: clinical testing. Allele origin: germline.

Revvity Omics, Revvity
Classification: Uncertain significance. Last evaluated: 2024-05-29. Review status: criteria provided, single submitter. Criteria: ACMG Guidelines, 2015. Collection method: clinical testing. Allele origin: germline.

GeneDx
Classification: Likely benign. Last evaluated: 2019-12-24. Review status: criteria provided, single submitter. Criteria: GeneDx Variant Classification Process June 2021. Collection method: clinical testing. Allele origin: germline. Affected: yes.

Laboratory for Molecular Medicine, Mass General Brigham Personalized Medicine
Classification: Uncertain significance. Last evaluated: 2014-05-09. Review status: criteria provided, single submitter. Criteria: LMM Criteria. Collection method: clinical testing. Allele origin: germline. Observed: 1 variant allele.
Comment: The Glu10759Gly variant in TTN has not been previously reported in individuals w ith cardiomyopathy, but has been identified in 1/128 Mexican chromosomes by the 1000 Genomes Project (dbSNP rs190461403). Computational prediction tools and con servation analysis do not provide strong support for or against an impact to the protein. In summary, the clinical significance of the Glu10759Gly variant is un certain.

NM_001267550.2(TTN):c.39578A>G (p.Glu13193Gly)

Gene: TTN (titin; minus strand). Cytogenetic location: 2q31.2.
Variant type: single nucleotide variant.
Coding change: c.39578A>G on transcript NM_001267550.2 (MANE Select); coding-DNA position 39578, A replaced by G.
Protein change: p.Glu13193Gly; replaces glutamic acid 13193 with glycine.
Molecular consequence: missense variant. On other transcripts: intron variant (3).
Genome position (GRCh38, 1-based): chr2:178,651,290, T>C on the plus strand (A>G on the coding strand, the complement: TTN is on the minus strand). VCF-style: chr2-178651290-T-C. GRCh37 (hg19) VCF-style: chr2-179516017-T-C.
Other names: p.E11686G:GAA>GGA; c.13283-8973A>G (NM_003319.4); c.13859-8973A>G (NM_133437.4); c.13658-8973A>G (NM_133432.3); c.35057A>G, p.Glu11686Gly (NM_001256850.1); c.32276A>G, p.Glu10759Gly (NM_133378.4); short protein forms E10759G, E13193G, E11686G.
Identifiers: ClinVar variation 166082 (VCV000166082.20), dbSNP rs190461403, ClinGen allele CA178875.